The following is an entry in ClinVar:

ClinVar aggregate classification (germline): Pathogenic (1 of 4 stars; one submission).

Conditions:
Walker-Warburg congenital muscular dystrophy. Also called: Muscular dystrophy-dystroglycanopathy, type A; Walker-Warburg syndrome. Identifiers: Orphanet 899, MedGen C0265221, MONDO:0000171.

Submission:

Labcorp Genetics (formerly Invitae), Labcorp
Classification: Pathogenic for Walker-Warburg congenital muscular dystrophy. Last evaluated: 2022-07-17. Review status: criteria provided, single submitter. Criteria: Invitae Variant Classification Sherloc (09022015). Collection method: clinical testing. Allele origin: germline.
Comment: This variant has not been reported in the literature in individuals affected with FKRP-related conditions. This variant is not present in population databases (gnomAD no frequency). This sequence change creates a premature translational stop signal (p.Arg181Profs*69) in the FKRP gene. While this is not anticipated to result in nonsense mediated decay, it is expected to disrupt the last 315 amino acid(s) of the FKRP protein. This variant disrupts a region of the FKRP protein in which other variant(s) (p.Ile478Thr) have been determined to be pathogenic (PMID: 16476814, 18639457, 19299310). This suggests that this is a clinically significant region of the protein, and that variants that disrupt it are likely to be disease-causing. For these reasons, this variant has been classified as Pathogenic.

Literature cited by the submitters: PubMed 16476814; PubMed 18639457; PubMed 19299310.

NM_024301.5(FKRP):c.542_567del (p.Arg181fs)

Gene: FKRP (fukutin related protein; plus strand). Cytogenetic location: 19q13.32.
Variant type: Deletion.
Coding change: c.542_567del on transcript NM_024301.5 (MANE Select); coding-DNA positions 542 to 567, 26 bases deleted (GCTATGGCGCAGCCCCCGCCGCGCCC).
Protein change: p.Arg181fs; shifts the reading frame from arginine 181.
Molecular consequence: frameshift variant.
Genome position (GRCh38, 1-based): chr19:46,755,992-46,756,017, GCTATGGCGCAGCCCCCGCCGCGCCC deleted; deleting any 26 consecutive bases within chr19:46,755,987-46,756,017 gives the same sequence; the c. name uses the placement nearest the transcript's 3' end. VCF-style (leftmost placement, unchanged base first): chr19-46755986-CCGCCCGCTATGGCGCAGCCCCCGCCG-C. GRCh37 (hg19) VCF-style: chr19-47259243-CCGCCCGCTATGGCGCAGCCCCCGCCG-C.
Other names: c.542_567del, p.Arg181fs (NM_001039885.3); short protein forms R181fs.
Identifiers: ClinVar variation 2017951 (VCV002017951.4), dbSNP rs2513989133, ClinGen allele CA2580097437.
Genomic context (GRCh38, chr19:46,755,986, plus strand): 5'-CGGTTGCCACGGCCAACCCTGCCAGGTGCCTGGCCCTGAACGTCAGCCTGCGAGAGTGGA[CCGCCCGCTATGGCGCAGCCCCCGCCG>C]CGCCCCGCTGCGACGCCCTGGACGGAGATGCTGTGGTGCTCCTGCGCGCCCGCGACCTCT-3'